The following is an entry in ClinVar:

ClinVar aggregate classification (germline): Benign/Likely benign. Review status: criteria provided, multiple submitters, no conflicts (2 of 4 stars). 4 submissions from 4 submitters: Benign (2); Likely benign (2). Last evaluated 2026-09-01.

Allele frequency attached by ClinVar (database versions not stated): 1000 Genomes Project 30x 0.00109; 1000 Genomes Project 0.00140; TOPMed 0.00307; gnomAD 0.00326 and 0.00328; gnomAD exomes 0.00356 and 0.00460; ESP Exome Variant Server 0.00357; ExAC 0.00617.
gnomAD v4.1: 7,141 of 1,598,738 alleles (0.45%); highest among the groups gnomAD compares: South Asian, 0.55%; 22 homozygotes.

Submissions (4):

CeGaT Center for Human Genetics Tuebingen
Classification: Likely benign. Last evaluated: 2026-09-01. Review status: criteria provided, single submitter. Criteria: CeGaT Center For Human Genetics Tuebingen Variant Classification Criteria Version 2. Collection method: clinical testing. Allele origin: germline. Affected: yes. Observed: 9 variant alleles.
Comment: SOX17: BS2

Labcorp Genetics (formerly Invitae), Labcorp
Classification: Benign. Last evaluated: 2026-01-27. Review status: criteria provided, single submitter. Criteria: Invitae Variant Classification Sherloc (09022015). Collection method: clinical testing. Allele origin: germline.

Blueprint Genetics
Classification: Likely benign. Last evaluated: 2024-11-20. Review status: criteria provided, single submitter. Criteria: ACMG Guidelines, 2015. Collection method: clinical testing. Allele origin: germline.

Breakthrough Genomics
Classification: Benign. Review status: criteria provided, single submitter. Criteria: ACMG Guidelines, 2015. Collection method: not provided. Allele origin: germline. Inheritance: Autosomal dominant inheritance. Affected: yes.

NM_022454.4(SOX17):c.98C>A (p.Ala33Asp)

Gene: SOX17 (SRY-box transcription factor 17; plus strand). Cytogenetic location: 8q11.23.
Variant type: single nucleotide variant.
Coding change: c.98C>A on transcript NM_022454.4 (MANE Select); coding-DNA position 98, C replaced by A.
Protein change: p.Ala33Asp; replaces alanine 33 with aspartic acid.
Molecular consequence: missense variant.
Genome position (GRCh38, 1-based): chr8:54,458,236, C>A. VCF-style: chr8-54458236-C-A. GRCh37 (hg19) VCF-style: chr8-55370796-C-A.
Other names: short protein forms A33D.
Identifiers: ClinVar variation 1601523 (VCV001601523.26), dbSNP rs189384157, ClinGen allele CA4750802.